The following is an entry in ClinVar:

NM_000428.3(LTBP2):c.574G>A (p.Glu192Lys)

Gene: LTBP2 (latent transforming growth factor beta binding protein 2; minus strand). Cytogenetic location: 14q24.3.
Variant type: single nucleotide variant.
Coding change: c.574G>A on transcript NM_000428.3 (MANE Select); coding-DNA position 574, G replaced by A.
Protein change: p.Glu192Lys; replaces glutamic acid 192 with lysine.
Molecular consequence: missense variant.
Genome position (GRCh38, 1-based): chr14:74,586,110, C>T on the plus strand (G>A on the coding strand, the complement: LTBP2 is on the minus strand). VCF-style: chr14-74586110-C-T. GRCh37 (hg19) VCF-style: chr14-75052813-C-T.
Other names: short protein forms E192K.
Identifiers: ClinVar variation 2067688 (VCV002067688.1), dbSNP rs201150991, ClinGen allele CA7270137.

ClinVar aggregate classification (germline): Uncertain significance (1 of 4 stars; one submission).

Allele frequency attached by ClinVar (database versions not stated): ExAC 0.00004; gnomAD exomes 0.00005; ESP Exome Variant Server 0.00023.
gnomAD v4.1: 79 of 1,593,844 alleles (0.005%); highest among the groups gnomAD compares: African/African-American, 0.0094%; no homozygotes.

Submission:

Labcorp Genetics (formerly Invitae), Labcorp
Classification: Uncertain significance. Last evaluated: 2022-05-17. Review status: criteria provided, single submitter. Criteria: Invitae Variant Classification Sherloc (09022015). Collection method: clinical testing. Allele origin: germline.
Comment: This sequence change replaces glutamic acid, which is acidic and polar, with lysine, which is basic and polar, at codon 192 of the LTBP2 protein (p.Glu192Lys). This variant is present in population databases (rs201150991, gnomAD 0.009%). This variant has not been reported in the literature in individuals affected with LTBP2-related conditions. Algorithms developed to predict the effect of missense changes on protein structure and function are either unavailable or do not agree on the potential impact of this missense change (SIFT: "Deleterious"; PolyPhen-2: "Benign"; Align-GVGD: "Class C15"). In summary, the available evidence is currently insufficient to determine the role of this variant in disease. Therefore, it has been classified as a Variant of Uncertain Significance.